The following is an entry in ClinVar:

ClinVar aggregate classification (germline): Likely benign (1 of 4 stars; one submission).

Conditions:
DMRT2-related disorder. Also called: DMRT2-related condition.

gnomAD v4.1: 594 of 1,614,146 alleles (0.037%); highest among the groups gnomAD compares: African/African-American, 0.74%; 4 homozygotes.

Submission:

PreventionGenetics, part of Exact Sciences
Classification: Likely benign for DMRT2-related condition. Last evaluated: 2025-09-05. Review status: criteria provided, single submitter. Criteria: ACMG Guidelines, 2015. Collection method: clinical testing. Allele origin: germline.
Comment: This variant is classified as likely benign based on ACMG/AMP sequence variant interpretation guidelines (Richards et al. 2015 PMID: 25741868, with internal and published modifications).

NM_181872.6(DMRT2):c.930C>T (p.Thr310=)

Gene: DMRT2 (doublesex and mab-3 related transcription factor 2; plus strand). Cytogenetic location: 9p24.3.
Variant type: single nucleotide variant.
Coding change: c.930C>T on transcript NM_181872.6 (MANE Select); coding-DNA position 930, C replaced by T.
Protein change: p.Thr310=; no amino-acid change (threonine 310 retained).
Molecular consequence: synonymous variant. On other transcripts: 3 prime UTR variant (4), non-coding transcript variant (1).
Genome position (GRCh38, 1-based): chr9:1,056,517, C>T. VCF-style: chr9-1056517-C-T. GRCh37 (hg19) VCF-style: chr9-1056517-C-T.
Other names: c.*327C>T (NM_001130865.3, NM_001370533.1, NM_001387557.1); c.408C>T, p.Thr136= (NM_001370532.1); c.930C>T, p.Thr310= (NM_001387558.1, NM_001387559.1); c.231C>T, p.Thr77= (NM_001387560.1); c.*743C>T (NM_006557.7).
Identifiers: ClinVar variation 4981571 (VCV004981571.1).